The following is an entry in ClinVar:

ClinVar aggregate classification (germline): Conflicting classifications of pathogenicity. Review status: criteria provided, conflicting classifications (1 of 4 stars). 4 submissions from 4 submitters: Uncertain significance (1); Likely benign (3). Last evaluated 2025-09-23.

Conditions:
Bethlem myopathy 1A. Also called: MYOPATHY, BENIGN CONGENITAL, WITH CONTRACTURES; Bethlem Muscular Dystrophy; Bethlem myopathy 1. Identifiers: Orphanet 610, MedGen CN029274, MONDO:0024530, OMIM 158810.

Allele frequency attached by ClinVar (database versions not stated): gnomAD exomes 0.00010 and 0.00009; ExAC 0.00015; ESP Exome Variant Server 0.00015; 1000 Genomes Project 0.00020; gnomAD 0.00022 and 0.00024; TOPMed 0.00024; 1000 Genomes Project 30x 0.00031.
gnomAD v4.1: 171 of 1,612,620 alleles (0.011%); highest among the groups gnomAD compares: African/African-American, 0.056%; no homozygotes.

Submissions (4):

Labcorp Genetics (formerly Invitae), Labcorp
Classification: Likely benign for Bethlem myopathy 1A. Last evaluated: 2025-09-23. Review status: criteria provided, single submitter. Criteria: Invitae Variant Classification Sherloc (09022015). Collection method: clinical testing. Allele origin: germline.

Revvity Omics, Revvity
Classification: Likely benign. Last evaluated: 2023-12-15. Review status: criteria provided, single submitter. Criteria: ACMG Guidelines, 2015. Collection method: clinical testing. Allele origin: germline.

GeneDx
Classification: Likely benign. Last evaluated: 2018-04-25. Review status: criteria provided, single submitter. Criteria: GeneDx Variant Classification (06012015). Collection method: clinical testing. Allele origin: germline. Affected: yes.
Comment: This variant is considered likely benign or benign based on one or more of the following criteria: it is a conservative change, it occurs at a poorly conserved position in the protein, it is predicted to be benign by multiple in silico algorithms, and/or has population frequency not consistent with disease.

CeGaT Center for Human Genetics Tuebingen
Classification: Uncertain significance. Last evaluated: 2016-08-31. Review status: criteria provided, single submitter. Criteria: Praxis fuer Humangenetik Tuebingen - Variant Classification Criteria. Collection method: clinical testing. Allele origin: germline. Affected: yes. Observed: 2 variant alleles.

NM_001849.4(COL6A2):c.1605C>T (p.Pro535=)

Gene: COL6A2 (collagen type VI alpha 2 chain; plus strand). Cytogenetic location: 21q22.3.
Variant type: single nucleotide variant.
Coding change: c.1605C>T on transcript NM_001849.4 (MANE Select); coding-DNA position 1605, C replaced by T.
Protein change: p.Pro535=; no amino-acid change (proline 535 retained).
Molecular consequence: synonymous variant.
Genome position (GRCh38, 1-based): chr21:46,122,528, C>T. VCF-style: chr21-46122528-C-T. GRCh37 (hg19) VCF-style: chr21-47542442-C-T.
Other names: c.1605C>T, p.Pro535= (NM_058174.3, NM_058175.3).
Identifiers: ClinVar variation 374470 (VCV000374470.18), dbSNP rs377476546, ClinGen allele CA10072018.